The following is an entry in ClinVar:

NM_000038.6(APC):c.4083C>T (p.Pro1361=)

Gene: APC (APC regulator of Wnt signaling pathway; plus strand). Cytogenetic location: 5q22.2.
Variant type: single nucleotide variant.
Coding change: c.4083C>T on transcript NM_000038.6 (MANE Select); coding-DNA position 4083, C replaced by T.
Protein change: p.Pro1361=; no amino-acid change (proline 1361 retained).
Molecular consequence: synonymous variant. On other transcripts: non-coding transcript variant (2).
Genome position (GRCh38, 1-based): chr5:112,839,677, C>T. VCF-style: chr5-112839677-C-T. GRCh37 (hg19) VCF-style: chr5-112175374-C-T.
Other names: c.4083C>T, p.Pro1361= (NM_001127510.3, NM_001354895.2, NM_001407450.1); c.4029C>T, p.Pro1343= (NM_001127511.3); c.4137C>T, p.Pro1379= (NM_001354896.2, NM_001407447.1, NM_001407448.1 and 1 more transcripts); c.4113C>T, p.Pro1371= (NM_001354897.2); c.4008C>T, p.Pro1336= (NM_001354898.2); c.3999C>T, p.Pro1333= (NM_001354899.2); c.3960C>T, p.Pro1320= (NM_001354900.2); c.3906C>T, p.Pro1302= (NM_001354901.2, NM_001407453.1); and 11 more.
Identifiers: ClinVar variation 3148152 (VCV003148152.3), dbSNP rs1464598628, ClinGen allele CA445964099.

ClinVar aggregate classification (germline): Benign/Likely benign. Review status: criteria provided, multiple submitters, no conflicts (2 of 4 stars). 2 submissions from 2 submitters: Benign (1); Likely benign (1). Last evaluated 2024-09-25.

Conditions:
Familial adenomatous polyposis 1 (FAP1). Also called: POLYPOSIS, ADENOMATOUS INTESTINAL; FAMILIAL ADENOMATOUS POLYPOSIS 1, ATTENUATED. Identifiers: MedGen C2713442, MONDO:0021056, OMIM 175100. Disease mechanism: loss of function.

gnomAD v4.1: 1 of 1,614,140 alleles (0.000062%); highest among the groups gnomAD compares: East Asian, 0.0022%; no homozygotes.

Submissions (2):

Labcorp Genetics (formerly Invitae), Labcorp
Classification: Likely benign for Familial adenomatous polyposis 1. Last evaluated: 2024-09-25. Review status: criteria provided, single submitter. Criteria: Invitae Variant Classification Sherloc (09022015). Collection method: clinical testing. Allele origin: germline.

Myriad Genetics, Inc.
Classification: Benign for Familial adenomatous polyposis 1. Last evaluated: 2024-03-25. Review status: criteria provided, single submitter. Criteria: Myriad Autosomal Dominant, Autosomal Recessive and X-Linked Classification Criteria (2023). Collection method: clinical testing. Allele origin: unknown.
Comment: This variant is considered benign. This variant is a silent/synonymous amino acid change and it is not expected to impact splicing.